The following is an entry in ClinVar:

ClinVar aggregate classification (germline): Uncertain significance (1 of 4 stars; one submission).

Submission:

GeneDx
Classification: Uncertain significance. Last evaluated: 2024-01-16. Review status: criteria provided, single submitter. Criteria: GeneDx Variant Classification Process June 2021. Collection method: clinical testing. Allele origin: germline. Affected: yes.
Comment: Not observed at significant frequency in large population cohorts (gnomAD); In silico analysis supports that this variant does not alter splicing; Has not been previously published as pathogenic or benign to our knowledge

NM_001042492.3(NF1):c.7738+6A>G

Gene: NF1 (neurofibromin 1; plus strand). Cytogenetic location: 17q11.2.
Variant type: single nucleotide variant.
Coding change: c.7738+6A>G on transcript NM_001042492.3 (MANE Select); 6 bases into the intron after coding-DNA position 7738, A replaced by G.
Molecular consequence: intron variant.
Genome position (GRCh38, 1-based): chr17:31,356,588, A>G. VCF-style: chr17-31356588-A-G. GRCh37 (hg19) VCF-style: chr17-29683606-A-G.
Other names: c.7675+6A>G (NM_000267.4).
Identifiers: ClinVar variation 3367902 (VCV003367902.1).